The following is an entry in ClinVar:

NM_004281.4(BAG3):c.1673C>T (p.Ala558Val)

Gene: BAG3 (BAG cochaperone 3; plus strand). Cytogenetic location: 10q26.11.
Variant type: single nucleotide variant.
Coding change: c.1673C>T on transcript NM_004281.4 (MANE Select); coding-DNA position 1673, C replaced by T.
Protein change: p.Ala558Val; replaces alanine 558 with valine.
Molecular consequence: missense variant.
Genome position (GRCh38, 1-based): chr10:119,677,227, C>T. VCF-style: chr10-119677227-C-T. GRCh37 (hg19) VCF-style: chr10-121436739-C-T.
Other names: short protein forms A558V.
Identifiers: ClinVar variation 940792 (VCV000940792.10), dbSNP rs185537639, ClinGen allele CA5716592.

ClinVar aggregate classification (germline): Uncertain significance. Review status: criteria provided, multiple submitters, no conflicts (2 of 4 stars). 2 submissions from 2 submitters: Uncertain significance (2). Last evaluated 2024-11-03.

Conditions:
Dilated cardiomyopathy 1HH (CMD1HH). Identifiers: Orphanet 154, MedGen C3151293, MONDO:0013479, OMIM 613881.
Myofibrillar myopathy 6. Identifiers: Orphanet 199340, MedGen C2751831, MONDO:0013061, OMIM 612954.

Allele frequency attached by ClinVar (database versions not stated): gnomAD 0.00001; TOPMed 0.00001; gnomAD exomes 0.00002; ExAC 0.00003; 1000 Genomes Project 30x 0.00016; 1000 Genomes Project 0.00020.
gnomAD v4.1: 33 of 1,614,112 alleles (0.002%); highest among the groups gnomAD compares: East Asian, 0.051%; no homozygotes.

Submissions (2):

Labcorp Genetics (formerly Invitae), Labcorp
Classification: Uncertain significance for Dilated cardiomyopathy 1HH; Myofibrillar myopathy 6. Last evaluated: 2024-11-03. Review status: criteria provided, single submitter. Criteria: Invitae Variant Classification Sherloc (09022015). Collection method: clinical testing. Allele origin: germline.
Comment: This sequence change replaces alanine, which is neutral and non-polar, with valine, which is neutral and non-polar, at codon 558 of the BAG3 protein (p.Ala558Val). This variant is present in population databases (rs185537639, gnomAD 0.006%). This missense change has been observed in individual(s) with myofibrillar myopathy (PMID: 25728519). ClinVar contains an entry for this variant (Variation ID: 940792). Invitae Evidence Modeling of protein sequence and biophysical properties (such as structural, functional, and spatial information, amino acid conservation, physicochemical variation, residue mobility, and thermodynamic stability) indicates that this missense variant is not expected to disrupt BAG3 protein function with a negative predictive value of 80%. In summary, the available evidence is currently insufficient to determine the role of this variant in disease. Therefore, it has been classified as a Variant of Uncertain Significance.

Revvity Omics, Revvity
Classification: Uncertain significance. Last evaluated: 2020-05-08. Review status: criteria provided, single submitter. Criteria: ACMG Guidelines, 2015. Collection method: clinical testing. Allele origin: germline.

Literature cited by the submitters: PubMed 25728519 (cited by Labcorp Genetics (formerly Invitae), Labcorp).